The following is an entry in ClinVar:

ClinVar aggregate classification (germline): Uncertain significance (1 of 4 stars; one submission).

Conditions:
Long QT syndrome (LQTS). Identifiers: MedGen C0023976, MeSH D008133, MONDO:0002442. Disease mechanism: loss of function. Inheritance: Various modes of inheritance.

Submission:

Labcorp Genetics (formerly Invitae), Labcorp
Classification: Uncertain significance for Long QT syndrome. Last evaluated: 2025-06-16. Review status: criteria provided, single submitter. Criteria: Invitae Variant Classification Sherloc (09022015). Collection method: clinical testing. Allele origin: germline.
Comment: This sequence change replaces aspartic acid, which is acidic and polar, with histidine, which is basic and polar, at codon 457 of the CACNA1C protein (p.Asp457His). This variant is not present in population databases (gnomAD no frequency). This variant has not been reported in the literature in individuals affected with CACNA1C-related conditions. ClinVar contains an entry for this variant (Variation ID: 3644700). Invitae Evidence Modeling of protein sequence and biophysical properties (such as structural, functional, and spatial information, amino acid conservation, physicochemical variation, residue mobility, and thermodynamic stability) has been performed for this missense variant. However, the output from this modeling did not meet the statistical confidence thresholds required to predict the impact of this variant on CACNA1C protein function. In summary, the available evidence is currently insufficient to determine the role of this variant in disease. Therefore, it has been classified as a Variant of Uncertain Significance.

NM_000719.7(CACNA1C):c.1369G>C (p.Asp457His)

Gene: CACNA1C (calcium voltage-gated channel subunit alpha1 C; plus strand). Cytogenetic location: 12p13.33.
Variant type: single nucleotide variant.
Coding change: c.1369G>C on transcript NM_000719.7 (MANE Select); coding-DNA position 1369, G replaced by C.
Protein change: p.Asp457His; replaces aspartic acid 457 with histidine.
Molecular consequence: missense variant.
Genome position (GRCh38, 1-based): chr12:2,512,963, G>C. VCF-style: chr12-2512963-G-C. GRCh37 (hg19) VCF-style: chr12-2622129-G-C.
Other names: c.1369G>C, p.Asp457His (NM_001129832.2, NM_001129833.2, NM_001129834.2 and 18 more transcripts); c.1360G>C, p.Asp454His (NM_001129844.2); short protein forms D457H, D454H.
Identifiers: ClinVar variation 3644700 (VCV003644700.2).